The following is an entry in ClinVar:

ClinVar aggregate classification (germline): Pathogenic (1 of 4 stars; one submission).

Conditions:
Curry-Hall syndrome (WAD). Also called: WEYERS ACRODENTAL DYSOSTOSIS. Identifiers: Orphanet 952, MedGen C0457013, MONDO:0008673, OMIM 193530.
Ellis-van Creveld syndrome (EVC). Also called: Chondroectodermal dysplasia; MESOECTODERMAL DYSPLASIA; EVC-Related Ellis-van Creveld Syndrome; EVC2-Related Ellis-van Creveld Syndrome. Identifiers: Orphanet 289, MedGen C0013903, MONDO:0009162, OMIM 225500.

Submission:

Labcorp Genetics (formerly Invitae), Labcorp
Classification: Pathogenic for Curry-Hall syndrome; Ellis-van Creveld syndrome. Last evaluated: 2023-09-06. Review status: criteria provided, single submitter. Criteria: Invitae Variant Classification Sherloc (09022015). Collection method: clinical testing. Allele origin: germline.
Comment: For these reasons, this variant has been classified as Pathogenic. This sequence change creates a premature translational stop signal (p.Leu948*) in the EVC2 gene. It is expected to result in an absent or disrupted protein product. Loss-of-function variants in EVC2 are known to be pathogenic (PMID: 17024374, 19810119, 19876929). This variant is not present in population databases (gnomAD no frequency). This variant has not been reported in the literature in individuals affected with EVC2-related conditions. ClinVar contains an entry for this variant (Variation ID: 2066588).

Literature cited by the submitters: PubMed 17024374; PubMed 19810119; PubMed 19876929.

NM_147127.5(EVC2):c.2843T>A (p.Leu948Ter)

Gene: EVC2 (EvC ciliary complex subunit 2; minus strand). Cytogenetic location: 4p16.2.
Variant type: single nucleotide variant.
Coding change: c.2843T>A on transcript NM_147127.5 (MANE Select); coding-DNA position 2843, T replaced by A.
Protein change: p.Leu948Ter; replaces leucine 948 with a stop codon.
Molecular consequence: nonsense.
Genome position (GRCh38, 1-based): chr4:5,584,837, A>T on the plus strand (T>A on the coding strand, the complement: EVC2 is on the minus strand). VCF-style: chr4-5584837-A-T. GRCh37 (hg19) VCF-style: chr4-5586564-A-T.
Other names: c.2603T>A, p.Leu868Ter (NM_001166136.2); short protein forms L948*, L868*.
Identifiers: ClinVar variation 2066588 (VCV002066588.4), dbSNP rs2475236718, ClinGen allele CA356155148.
Genomic context (GRCh38, chr4:5,584,837, plus strand): 5'-ACAAGCGACTGTGCAAAGCCTCCCTCCTGTGCCTCCATCCGCTGCACTCTCTCCCGCAGC[A>T]ATTCACCTCGAACCTGGGAGGGGACAGGGATGGACCCAAACCCAGAGAGCAGTGAGTAGA-3'